The following is an entry in ClinVar:

NM_021922.3(FANCE):c.652A>G (p.Lys218Glu)

Gene: FANCE (FA complementation group E; plus strand). Cytogenetic location: 6p21.31.
Variant type: single nucleotide variant.
Coding change: c.652A>G on transcript NM_021922.3 (MANE Select); coding-DNA position 652, A replaced by G.
Protein change: p.Lys218Glu; replaces lysine 218 with glutamic acid.
Molecular consequence: missense variant.
Genome position (GRCh38, 1-based): chr6:35,456,150, A>G. VCF-style: chr6-35456150-A-G. GRCh37 (hg19) VCF-style: chr6-35423927-A-G.
Other names: short protein forms K218E.
Identifiers: ClinVar variation 1433588 (VCV001433588.4), dbSNP rs370659315, ClinGen allele CA16622023.

ClinVar aggregate classification (germline): Uncertain significance. Review status: criteria provided, multiple submitters, no conflicts (2 of 4 stars). 2 submissions from 2 submitters: Uncertain significance (2). Last evaluated 2021-11-04.

Conditions:
Fanconi anemia complementation group E (FANCE). Also called: FANCE-Related Fanconi Anemia. Identifiers: Orphanet 84, MedGen C3160739, MONDO:0010953, OMIM 600901.

Allele frequency attached by ClinVar (database versions not stated): gnomAD 0.00001; gnomAD exomes 0.00002; TOPMed 0.00002; ESP Exome Variant Server 0.00008.

Submissions (2):

Fulgent Genetics
Classification: Uncertain significance for Fanconi anemia complementation group E. Last evaluated: 2021-11-04. Review status: criteria provided, single submitter. Criteria: ACMG Guidelines, 2015. Collection method: clinical testing. Allele origin: unknown.

Labcorp Genetics (formerly Invitae), Labcorp
Classification: Uncertain significance for Fanconi anemia complementation group E. Last evaluated: 2021-08-19. Review status: criteria provided, single submitter. Criteria: Invitae Variant Classification Sherloc (09022015). Collection method: clinical testing. Allele origin: germline.
Comment: This sequence change replaces lysine with glutamic acid at codon 218 of the FANCE protein (p.Lys218Glu). The lysine residue is moderately conserved and there is a small physicochemical difference between lysine and glutamic acid. This variant is not present in population databases (ExAC no frequency). This variant has not been reported in the literature in individuals affected with FANCE-related conditions. Algorithms developed to predict the effect of missense changes on protein structure and function are either unavailable or do not agree on the potential impact of this missense change (SIFT: "Deleterious"; PolyPhen-2: "Probably Damaging"; Align-GVGD: "Class C0"). In summary, the available evidence is currently insufficient to determine the role of this variant in disease. Therefore, it has been classified as a Variant of Uncertain Significance.